The following is an entry in ClinVar:

NM_001111.5(ADAR):c.307G>C (p.Gly103Arg)

Gene: ADAR (adenosine deaminase RNA specific; minus strand). Cytogenetic location: 1q21.3.
Variant type: single nucleotide variant.
Coding change: c.307G>C on transcript NM_001111.5 (MANE Select); coding-DNA position 307, G replaced by C.
Protein change: p.Gly103Arg; replaces glycine 103 with arginine.
Molecular consequence: missense variant. On other transcripts: 5 prime UTR variant (3), intron variant (3).
Genome position (GRCh38, 1-based): chr1:154,602,335, C>G on the plus strand (G>C on the coding strand, the complement: ADAR is on the minus strand). VCF-style: chr1-154602335-C-G. GRCh37 (hg19) VCF-style: chr1-154574811-C-G.
Other names: c.-579G>C (NM_001025107.3, NM_001193495.2, NM_001365048.1); c.334G>C, p.Gly112Arg (NM_001365045.1); c.307G>C, p.Gly103Arg (NM_015840.4, NM_015841.4); c.-493+50G>C (NM_001365046.1, NM_001365049.1, NM_001365047.1); short protein forms G103R, G112R.
Identifiers: ClinVar variation 1425942 (VCV001425942.6), dbSNP rs1248454035, ClinGen allele CA342604554.

ClinVar aggregate classification (germline): Uncertain significance (1 of 4 stars; one submission).

Conditions:
Symmetrical dyschromatosis of extremities (DSH). Also called: RETICULATE ACROPIGMENTATION OF DOHI; SYMMETRIC DYSCHROMATOSIS OF THE EXTREMITIES; Dyschromatosis symmetrica hereditaria; DYSCHROMATOSIS SYMMETRICA HEREDITARIA 1. Identifiers: Orphanet 41, MedGen C0406775, MONDO:0007483, OMIM 127400.
Aicardi-Goutieres syndrome 6 (AGS6). Identifiers: Orphanet 51, MedGen C3539013, MONDO:0014007, OMIM 615010.

Allele frequency attached by ClinVar (database versions not stated): gnomAD exomes 0.00001 and below 0.00001; gnomAD 0.00001; TOPMed below 0.00001.
gnomAD v4.1: 12 of 1,611,364 alleles (0.00074%); highest among the groups gnomAD compares: African/African-American, 0.0027%; no homozygotes.

Submission:

Labcorp Genetics (formerly Invitae), Labcorp
Classification: Uncertain significance for Aicardi-Goutieres syndrome 6; Symmetrical dyschromatosis of extremities. Last evaluated: 2025-10-20. Review status: criteria provided, single submitter. Criteria: Invitae Variant Classification Sherloc (09022015). Collection method: clinical testing. Allele origin: germline.
Comment: This sequence change replaces glycine, which is neutral and non-polar, with arginine, which is basic and polar, at codon 103 of the ADAR protein (p.Gly103Arg). This variant is present in population databases (no rsID available, gnomAD 0.0009%). This variant has not been reported in the literature in individuals affected with ADAR-related conditions. ClinVar contains an entry for this variant (Variation ID: 1425942). An algorithm developed to predict the effect of missense changes on protein structure and function (PolyPhen-2) suggests that this variant is likely to be tolerated. In summary, the available evidence is currently insufficient to determine the role of this variant in disease. Therefore, it has been classified as a Variant of Uncertain Significance.